The following is an entry in ClinVar:

ClinVar aggregate classification (germline): Uncertain significance (1 of 4 stars; one submission).

Conditions:
Autosomal recessive severe congenital neutropenia due to JAGN1 deficiency. Also called: Severe congenital neutropenia 6, autosomal recessive. Identifiers: Orphanet 423384, MedGen C4014954, MONDO:0014456, OMIM 616022.

Allele frequency attached by ClinVar (database versions not stated): gnomAD exomes below 0.00001; TOPMed below 0.00001; gnomAD 0.00001.
gnomAD v4.1: 3 of 1,609,628 alleles (0.00019%); highest among the groups gnomAD compares: Non-Finnish European, 0.00025%; no homozygotes.

Submission:

Labcorp Genetics (formerly Invitae), Labcorp
Classification: Uncertain significance for Autosomal recessive severe congenital neutropenia due to JAGN1 deficiency. Last evaluated: 2020-12-20. Review status: criteria provided, single submitter. Criteria: Invitae Variant Classification Sherloc (09022015). Collection method: clinical testing. Allele origin: germline.
Comment: In summary, the available evidence is currently insufficient to determine the role of this variant in disease. Therefore, it has been classified as a Variant of Uncertain Significance. Algorithms developed to predict the effect of missense changes on protein structure and function are either unavailable or do not agree on the potential impact of this missense change (SIFT: "Deleterious"; PolyPhen-2: "Probably Damaging"; Align-GVGD: "Class C0"). This variant has not been reported in the literature in individuals with JAGN1-related conditions. This variant is not present in population databases (ExAC no frequency). This sequence change replaces lysine with arginine at codon 181 of the JAGN1 protein (p.Lys181Arg). The lysine residue is highly conserved and there is a small physicochemical difference between lysine and arginine.

NM_032492.4(JAGN1):c.542A>G (p.Lys181Arg)

Gene: JAGN1 (jagunal vesicle mediated transporter 1; plus strand). Cytogenetic location: 3p25.3.
Variant type: single nucleotide variant.
Coding change: c.542A>G on transcript NM_032492.4 (MANE Select); coding-DNA position 542, A replaced by G.
Protein change: p.Lys181Arg; replaces lysine 181 with arginine.
Molecular consequence: missense variant.
Genome position (GRCh38, 1-based): chr3:9,893,367, A>G. VCF-style: chr3-9893367-A-G. GRCh37 (hg19) VCF-style: chr3-9935051-A-G.
Other names: c.380A>G, p.Lys127Arg (NM_001363890.1); short protein forms K127R, K181R.
Identifiers: ClinVar variation 1361485 (VCV001361485.8), dbSNP rs1387440057, ClinGen allele CA351717590.
Genomic context (GRCh38, chr3:9,893,367, plus strand): 5'-GGCAGTTGTACTACAGCAAGAAGCTCCTAGACTCTTGGTTCACCAGCACACAGGAGAAGA[A>G]GCATAAATGAAGCCTCTTTGGGGTGAAGCCTGGACATCCCATCGAATGAAAGGACACTAG-3'
Protein context (NP_115881.3, residues 171-183): DSWFTSTQEK[Lys181Arg]HK